The following is an entry in ClinVar:

NM_007199.3(IRAK3):c.1397C>G (p.Pro466Arg)

Gene: IRAK3 (interleukin 1 receptor associated kinase 3; plus strand). Cytogenetic location: 12q14.3.
Variant type: single nucleotide variant.
Coding change: c.1397C>G on transcript NM_007199.3 (MANE Select); coding-DNA position 1397, C replaced by G.
Protein change: p.Pro466Arg; replaces proline 466 with arginine.
Molecular consequence: missense variant.
Genome position (GRCh38, 1-based): chr12:66,247,777, C>G. VCF-style: chr12-66247777-C-G. GRCh37 (hg19) VCF-style: chr12-66641557-C-G.
Other names: c.1214C>G, p.Pro405Arg (NM_001142523.2); short protein forms P405R, P466R.
Identifiers: ClinVar variation 3038783 (VCV003038783.2), dbSNP rs368882241, ClinGen allele CA6672959.

ClinVar aggregate classification (germline): Benign (0 of 4 stars; one submission).

Conditions:
IRAK3-related disorder. Also called: IRAK3-related condition.

Allele frequency attached by ClinVar (database versions not stated): TOPMed 0.00017; gnomAD 0.00060; gnomAD exomes 0.00106; ExAC 0.00232; 1000 Genomes Project 30x 0.00281; 1000 Genomes Project 0.00319.
gnomAD v4.1: 1,640 of 1,614,000 alleles (0.1%); highest among the groups gnomAD compares: South Asian, 1.7%; 27 homozygotes.

Submission:

PreventionGenetics, part of Exact Sciences
Classification: Benign for IRAK3-related condition. Last evaluated: 2019-05-20. Review status: no assertion criteria provided. Collection method: clinical testing. Allele origin: germline.
Comment: This variant is classified as benign based on ACMG/AMP sequence variant interpretation guidelines (Richards et al. 2015 PMID: 25741868, with internal and published modifications).